The following is an entry in ClinVar:

ClinVar aggregate classification (germline): Benign. Review status: criteria provided, multiple submitters, no conflicts (2 of 4 stars). 5 submissions from 5 submitters: Benign (3). 2 of the submissions do not count toward it. Last evaluated 2026-02-03.

Conditions:
MYOM1-related disorder.
Cardiovascular phenotype. Identifiers: MedGen CN230736.
Hypertrophic cardiomyopathy. Also called: HYPERTROPHIC MYOCARDIOPATHY. Identifiers: Orphanet 217569, MedGen C0007194, MeSH D002312, MONDO:0005045, HP:0001639.

Allele frequency attached by ClinVar (database versions not stated): gnomAD exomes 0.00165 and 0.00348; ExAC 0.00386; TOPMed 0.00524; gnomAD 0.00536 and 0.00542; ESP Exome Variant Server 0.00571; 1000 Genomes Project 30x 0.00937; 1000 Genomes Project 0.00958.
gnomAD v4.1: 3,322 of 1,613,738 alleles (0.21%); highest among the groups gnomAD compares: South Asian, 1.8%; 51 homozygotes.

Submissions (6):

Labcorp Genetics (formerly Invitae), Labcorp
Classification: Benign for Hypertrophic cardiomyopathy. Last evaluated: 2026-02-03. Review status: criteria provided, single submitter. Criteria: Invitae Variant Classification Sherloc (09022015). Collection method: clinical testing. Allele origin: germline.

Laboratory for Molecular Medicine, Mass General Brigham Personalized Medicine
Classification: Benign. Last evaluated: 2014-11-24. Review status: criteria provided, single submitter. Criteria: LMM Criteria. Collection method: clinical testing. Allele origin: germline. Observed: 5 variant alleles.
Comment: 1900+3A>C in intron 13 of MYOM1: This variant is not expected to have clinical s ignificance because it has been identified in 1.7% (73/4268) of African American chromosomes from a broad population by the NHLBI Exome Sequencing Project (dbSNP rs77613865).

Ambry Genetics
Classification: Benign for Cardiovascular phenotype. Last evaluated: 2013-05-20. Review status: criteria provided, single submitter. Criteria: Ambry Autosomal Dominant and X-Linked criteria (10/2015). Collection method: clinical testing. Allele origin: germline. Observed: 1 variant allele.

PreventionGenetics, part of Exact Sciences
Classification: Benign for MYOM1-related condition. Last evaluated: 2019-05-27. Review status: no assertion criteria provided. Collection method: clinical testing. Allele origin: germline. Not counted in ClinVar's aggregate classification.
Comment: This variant is classified as benign based on ACMG/AMP sequence variant interpretation guidelines (Richards et al. 2015 PMID: 25741868, with internal and published modifications).

Strand Center for Genomics and Personalized Medicine, Strand Life Sciences Pvt Ltd
Classification: Likely pathogenic for Hypertrophic Cardiomyopathy. Last evaluated: 2014-06-12. Review status: no assertion criteria provided. Collection method: clinical testing. Allele origin: germline. Affected: yes. Observed: 1 variant allele, 1 homozygote. Not counted in ClinVar's aggregate classification.
Comment: The change is likely to result in a shorter protein of 644 amino acids. This truncated protein lacks the the fibronectin type III and Ig-like C2-type domains, region which mainly play a role in dimerization, implying an altered dimerization of the protein. A missense variant that affects the dimerization of domain 13 has been reported to be involved in the pathogenesis of Hypertrophic cardiomyopathy (HCM) (PMID: 21256114).

Dr. Peter K. Rogan Lab, Western University
No classification provided (evidence only). Condition: Uterine corpus endometrial carcinoma. Review status: no classification provided. Collection method: in vitro. Allele origin: not applicable. Functional consequence: retained intron. Not counted in ClinVar's aggregate classification.

NM_003803.4(MYOM1):c.1900+3A>C

Gene: MYOM1 (myomesin 1; minus strand). Cytogenetic location: 18p11.31.
Variant type: single nucleotide variant.
Coding change: c.1900+3A>C on transcript NM_003803.4 (MANE Select); 3 bases into the intron after coding-DNA position 1900, A replaced by C.
Molecular consequence: intron variant.
Genome position (GRCh38, 1-based): chr18:3,149,142, T>G on the plus strand (A>C on the coding strand, the complement: MYOM1 is on the minus strand). VCF-style: chr18-3149142-T-G. GRCh37 (hg19) VCF-style: chr18-3149140-T-G.
Other names: c.1900+3A>C (NM_019856.2).
Identifiers: ClinVar variation 180694 (VCV000180694.22), dbSNP rs77613865, ClinGen allele CA250308.